The following is an entry in ClinVar:

NM_000368.5(TSC1):c.1509dup (p.Asp504Ter)

Gene: TSC1 (TSC complex subunit 1; minus strand). Cytogenetic location: 9q34.13.
Variant type: Duplication.
Coding change: c.1509dup on transcript NM_000368.5 (MANE Select); coding-DNA position 1509, one base duplicated (T; older notation c.1509dupT).
Protein change: p.Asp504Ter; replaces aspartic acid 504 with a stop codon.
Molecular consequence: nonsense.
Genome position (GRCh38, 1-based): chr9:132,906,069, A duplicated on the plus strand (T on the coding strand, the reverse complement: TSC1 is on the minus strand); the first of 3 consecutive A bases (chr9:132,906,069-132,906,071); duplicating any one gives the same sequence. VCF-style (leftmost placement, unchanged base first): chr9-132906068-C-CA. GRCh37 (hg19) VCF-style: chr9-135781455-C-CA.
Other names: c.1509dupT (NM_000368.4); c.1506dup, p.Asp503Ter (NM_001162426.2); c.1356dup, p.Asp453Ter (NM_001162427.2); c.1146dup, p.Asp383Ter (NM_001362177.2); short protein forms D383*, D453*, D503*, D504*.
Identifiers: ClinVar variation 207651 (VCV000207651.1), dbSNP rs796053470, ClinGen allele CA319337.

ClinVar aggregate classification (germline): Pathogenic (1 of 4 stars; one submission).

Submission:

GeneDx
Classification: Pathogenic. Last evaluated: 2014-09-26. Review status: criteria provided, single submitter. Criteria: GeneDx Variant Classification (06012015). Collection method: clinical testing. Allele origin: germline. Affected: yes.
Comment: c.1509dupT: p.Asp504Ter (D504X) in exon 15 of the TSC1 gene (NM_000368.4). The normal sequence with the base that is duplicated in braces is GCTT{T}GACT. The c.1509dupT mutation in the TSC1 gene changes the Aspartic acid residue at position 504 to a premature Stop codon, denoted p.Asp504Ter (D504X). This mutation is predicted to cause loss of normal protein function either through protein truncation or nonsense-mediated mRNA decay. Although this mutation has not been reported previously to our knowledge, its presence is consistent with a diagnosis of tuberous sclerosi. The variant is found in TUBSC-EPIV2 panel(s).